The following is an entry in ClinVar:

NM_024642.5(GALNT12):c.1386C>A (p.Asn462Lys)

Gene: GALNT12 (polypeptide N-acetylgalactosaminyltransferase 12; plus strand). Cytogenetic location: 9q22.33.
Variant type: single nucleotide variant.
Coding change: c.1386C>A on transcript NM_024642.5 (MANE Select); coding-DNA position 1386, C replaced by A.
Protein change: p.Asn462Lys; replaces asparagine 462 with lysine.
Molecular consequence: missense variant.
Genome position (GRCh38, 1-based): chr9:98,844,137, C>A. VCF-style: chr9-98844137-C-A. GRCh37 (hg19) VCF-style: chr9-101606419-C-A.
Other names: short protein forms N462K.
Identifiers: ClinVar variation 1421899 (VCV001421899.11), dbSNP rs143336366, ClinGen allele CA5154261.

ClinVar aggregate classification (germline): Uncertain significance. Review status: criteria provided, multiple submitters, no conflicts (2 of 4 stars). 2 submissions from 2 submitters: Uncertain significance (2). Last evaluated 2025-01-17.

Allele frequency attached by ClinVar (database versions not stated): gnomAD exomes below 0.00001; ExAC 0.00001; gnomAD 0.00001.
gnomAD v4.1: 1 of 1,613,824 alleles (0.000062%); highest among the groups gnomAD compares: African/African-American, 0.0013%; no homozygotes.

Submissions (2):

Ambry Genetics
Classification: Uncertain significance. Last evaluated: 2025-01-17. Review status: criteria provided, single submitter. Criteria: Ambry Variant Classification Scheme 2023. Collection method: clinical testing. Allele origin: germline.
Comment: The p.N462K variant (also known as c.1386C>A), located in coding exon 8 of the GALNT12 gene, results from a C to A substitution at nucleotide position 1386. The asparagine at codon 462 is replaced by lysine, an amino acid with similar properties. This amino acid position is highly conserved in available vertebrate species. In addition, this alteration is predicted to be tolerated by in silico analysis. Since supporting evidence is limited at this time, the clinical significance of this alteration remains unclear.

Labcorp Genetics (formerly Invitae), Labcorp
Classification: Uncertain significance. Last evaluated: 2021-02-17. Review status: criteria provided, single submitter. Criteria: Invitae Variant Classification Sherloc (09022015). Collection method: clinical testing. Allele origin: germline.
Comment: In summary, the available evidence is currently insufficient to determine the role of this variant in disease. Therefore, it has been classified as a Variant of Uncertain Significance. This sequence change replaces asparagine with lysine at codon 462 of the GALNT12 protein (p.Asn462Lys). The asparagine residue is moderately conserved and there is a moderate physicochemical difference between asparagine and lysine. This variant is present in population databases (rs143336366, ExAC 0.01%). This variant has not been reported in the literature in individuals with GALNT12-related conditions. Algorithms developed to predict the effect of missense changes on protein structure and function are either unavailable or do not agree on the potential impact of this missense change (SIFT: "Deleterious"; PolyPhen-2: "Probably Damaging"; Align-GVGD: "Class C0").